The following is an entry in ClinVar:

NM_002432.3(MNDA):c.144T>G (p.Ile48Met)

Gene: MNDA (myeloid cell nuclear differentiation antigen; plus strand). Cytogenetic location: 1q23.1.
Variant type: single nucleotide variant.
Coding change: c.144T>G on transcript NM_002432.3 (MANE Select); coding-DNA position 144, T replaced by G.
Protein change: p.Ile48Met; replaces isoleucine 48 with methionine.
Molecular consequence: missense variant.
Genome position (GRCh38, 1-based): chr1:158,842,297, T>G. VCF-style: chr1-158842297-T-G. GRCh37 (hg19) VCF-style: chr1-158812087-T-G.
Other names: short protein forms I48M.
Identifiers: ClinVar variation 1772923 (VCV001772923.2), dbSNP rs762231041, ClinGen allele CA1185492.

ClinVar aggregate classification (germline): Uncertain significance (1 of 4 stars; one submission).

Allele frequency attached by ClinVar (database versions not stated): gnomAD exomes below 0.00001; ExAC 0.00001.
gnomAD v4.1: 5 of 1,614,148 alleles (0.00031%); highest among the groups gnomAD compares: South Asian, 0.0055%; no homozygotes.

Submission:

Ambry Genetics
Classification: Uncertain significance. Last evaluated: 2022-07-19. Review status: criteria provided, single submitter. Criteria: Ambry Variant Classification Scheme 2023. Collection method: clinical testing. Allele origin: germline.
Comment: The p.I48M variant (also known as c.144T>G), located in coding exon 1 of the MNDA gene, results from a T to G substitution at nucleotide position 144. The isoleucine at codon 48 is replaced by methionine, an amino acid with highly similar properties. This amino acid position is conserved. In addition, this alteration is predicted to be tolerated by in silico analysis. Since supporting evidence is limited at this time, the clinical significance of this alteration remains unclear.